The following is an entry in ClinVar:

ClinVar aggregate classification (germline): Conflicting classifications of pathogenicity. Review status: criteria provided, conflicting classifications (1 of 4 stars). 26 submissions from 22 submitters: Uncertain significance (1); Benign (10); Likely benign (10). 5 of the submissions do not count toward it. Last evaluated 2026-09-01.

Conditions:
Dilated cardiomyopathy 1G (CMD1G). Identifiers: Orphanet 154, MedGen C1858763, MONDO:0011400, OMIM 604145.
Autosomal recessive limb-girdle muscular dystrophy type 2J (LGMDR10). Also called: MUSCULAR DYSTROPHY, LIMB-GIRDLE, AUTOSOMAL RECESSIVE 10; Limb-girdle muscular dystrophy, type 2J. Identifiers: Orphanet 140922, MedGen C1837342, MONDO:0012127, OMIM 608807.
Cardiovascular phenotype. Identifiers: MedGen CN230736.
Cardiomyopathy (CMYO). Also called: Cardiomyopathies. Identifiers: Orphanet 167848, MedGen C0878544, MONDO:0004994, HP:0001638. Inheritance: Various modes of inheritance.
Myopathy, myofibrillar, 9, with early respiratory failure (MFM9). Also called: Myopathy, distal, with early respiratory failure, autosomal dominant; Hereditary myopathy with early respiratory failure; MYOPATHY, PROXIMAL, WITH EARLY RESPIRATORY MUSCLE INVOLVEMENT; EDSTROM MYOPATHY. Identifiers: Orphanet 178464, Orphanet 34521, MedGen C1863599, MONDO:0011362, OMIM 603689.
Early-onset myopathy with fatal cardiomyopathy (CMYO5). Also called: CONGENITAL MYOPATHY 5 WITH CARDIOMYOPATHY; Salih Myopathy. Identifiers: Orphanet 289377, MedGen C2673677, MONDO:0012714, OMIM 611705. Disease mechanism: loss of function.
Tibial muscular dystrophy (TMD). Also called: Udd Distal Myopathy – Tibial Muscular Dystrophy; Tibial muscular dystrophy, tardive; UDD MYOPATHY. Identifiers: Orphanet 609, MedGen C1838244, MONDO:0010870, OMIM 600334.
Heart failure. Identifiers: MedGen C0018801, MONDO:0005252.

Allele frequency attached by ClinVar (database versions not stated): gnomAD exomes 0.00581 and 0.00824; TOPMed 0.00617; gnomAD 0.00650 and 0.00675; 1000 Genomes Project 30x 0.00406; ExAC 0.00564; ESP Exome Variant Server 0.00820; 1000 Genomes Project 0.00359.
gnomAD v4.1: 12,992 of 1,613,306 alleles (0.81%); highest among the groups gnomAD compares: Non-Finnish European, 0.93%; 74 homozygotes.

Submissions 1 to 16 of 26:

CeGaT Center for Human Genetics Tuebingen
Classification: Likely benign. Last evaluated: 2026-09-01. Review status: criteria provided, single submitter. Criteria: CeGaT Center For Human Genetics Tuebingen Variant Classification Criteria Version 2. Collection method: clinical testing. Allele origin: germline. Affected: yes. Observed: 98 variant alleles.
Comment: TTN: BS2

Labcorp Genetics (formerly Invitae), Labcorp
Classification: Benign for Dilated cardiomyopathy 1G; Autosomal recessive limb-girdle muscular dystrophy type 2J. Last evaluated: 2026-02-03. Review status: criteria provided, single submitter. Criteria: Invitae Variant Classification Sherloc (09022015). Collection method: clinical testing. Allele origin: germline.

ARUP Laboratories, Molecular Genetics and Genomics, ARUP Laboratories
Classification: Benign. Last evaluated: 2025-07-17. Review status: criteria provided, single submitter. Criteria: ARUP Molecular Germline Variant Investigation Process 2024. Collection method: clinical testing. Allele origin: germline.

Molecular Diagnostic Laboratory for Inherited Cardiovascular Disease, Montreal Heart Institute
Classification: Likely benign. Last evaluated: 2025-04-09. Review status: criteria provided, single submitter. Criteria: ACMG Guidelines, 2015. Collection method: clinical testing. Allele origin: germline. Affected: no.

Blueprint Genetics
Classification: Likely benign. Last evaluated: 2024-11-13. Review status: criteria provided, single submitter. Criteria: ACMG Guidelines, 2015. Collection method: clinical testing. Allele origin: germline.

Mayo Clinic Laboratories, Mayo Clinic
Classification: Benign. Last evaluated: 2022-12-07. Review status: criteria provided, single submitter. Criteria: ACMG Guidelines, 2015. Collection method: clinical testing. Allele origin: germline. Observed: 42 variant alleles.
Comment: BS1, BS2

Women's Health and Genetics/Laboratory Corporation of America, LabCorp
Classification: Benign. Last evaluated: 2020-01-13. Review status: criteria provided, single submitter. Criteria: LabCorp Variant Classification Summary - May 2015. Collection method: clinical testing. Allele origin: germline.
Comment: Variant summary: TTN c.12571G>A (p.Val4191Met) results in a conservative amino acid change located in the I-band domain of the encoded protein sequence. Four of five in-silico tools predict a benign effect of the variant on protein function. The variant allele was found at a frequency of 0.0058 in 247810 control chromosomes, predominantly at a frequency of 0.0086 within the Non-Finnish European subpopulation in the gnomAD database, including 4 homozygotes. The observed variant frequency within Non-Finnish European control individuals in the gnomAD database is approximately 14 fold of the estimated maximal expected allele frequency for a pathogenic variant in TTN causing Cardiomyopathy phenotype (0.00063), strongly suggesting that the variant is a benign polymorphism found primarily in populations of Non-Finnish European origin. Seven ClinVar submitters (evaluation after 2014) cite the variant as uncertain significance (1x), likely benign (3x) and benign (3x). Based on the evidence outlined above, the variant was classified as benign.

CHEO Genetics Diagnostic Laboratory, Children's Hospital of Eastern Ontario
Classification: Benign for Cardiomyopathy. Last evaluated: 2019-05-15. Review status: criteria provided, single submitter. Criteria: ACMG Guidelines, 2015. Collection method: clinical testing. Allele origin: germline. Study: Canadian Open Genetics Repository.

Illumina Laboratory Services, Illumina
Classification: Benign for Tibial muscular dystrophy. Last evaluated: 2018-01-13. Review status: criteria provided, single submitter. Criteria: ICSL Variant Classification Criteria 13 December 2019. Collection method: clinical testing. Allele origin: germline.
Comment: This variant was observed in the ICSL laboratory as part of a predisposition screen in an ostensibly healthy population. It had not been previously curated by ICSL or reported in the Human Gene Mutation Database (HGMD: prior to June 1st, 2018), and was therefore a candidate for classification through an automated scoring system. Utilizing variant allele frequency, disease prevalence and penetrance estimates, and inheritance mode, an automated score was calculated to assess if this variant is too frequent to cause the disease. Based on the score and internal cut-off values, a variant classified as benign is not then subjected to further curation. The score for this variant resulted in a classification of benign for this disease.

Illumina Laboratory Services, Illumina
Classification: Likely benign for Dilated cardiomyopathy 1G. Last evaluated: 2018-01-13. Review status: criteria provided, single submitter. Criteria: ICSL Variant Classification Criteria 13 December 2019. Collection method: clinical testing. Allele origin: germline.
Comment: This variant was observed in the ICSL laboratory as part of a predisposition screen in an ostensibly healthy population. It had not been previously curated by ICSL or reported in the Human Gene Mutation Database (HGMD: prior to June 1st, 2018), and was therefore a candidate for classification through an automated scoring system. Utilizing variant allele frequency, disease prevalence and penetrance estimates, and inheritance mode, an automated score was calculated to assess if this variant is too frequent to cause the disease. Based on the score and internal cut-off values, a variant classified as likely benign is not then subjected to further curation. The score for this variant resulted in a classification of likely benign for this disease.

Illumina Laboratory Services, Illumina
Classification: Uncertain significance for Autosomal recessive limb-girdle muscular dystrophy type 2J. Last evaluated: 2018-01-13. Review status: criteria provided, single submitter. Criteria: ICSL Variant Classification Criteria 13 December 2019. Collection method: clinical testing. Allele origin: germline.

Illumina Laboratory Services, Illumina
Classification: Likely benign for Early-onset myopathy with fatal cardiomyopathy. Last evaluated: 2018-01-13. Review status: criteria provided, single submitter. Criteria: ICSL Variant Classification Criteria 13 December 2019. Collection method: clinical testing. Allele origin: germline.
Comment: the same text as in the submission from Illumina Laboratory Services, Illumina above.

Illumina Laboratory Services, Illumina
Classification: Benign for Myopathy, myofibrillar, 9, with early respiratory failure. Last evaluated: 2018-01-13. Review status: criteria provided, single submitter. Criteria: ICSL Variant Classification Criteria 13 December 2019. Collection method: clinical testing. Allele origin: germline.
Comment: the same text as in the submission from Illumina Laboratory Services, Illumina above.

Center for Advanced Laboratory Medicine, UC San Diego Health, University of California San Diego
Classification: Likely benign for Heart failure. Last evaluated: 2017-03-14. Review status: criteria provided, single submitter. Criteria: ACMG Guidelines, 2015. Collection method: clinical testing. Allele origin: germline. Affected: yes. Observed: 1 variant allele.

GeneDx
Classification: Benign. Last evaluated: 2016-11-28. Review status: criteria provided, single submitter. Criteria: GeneDx Variant Classification (06012015). Collection method: clinical testing. Allele origin: germline. Affected: yes.
Comment: This variant is considered likely benign or benign based on one or more of the following criteria: it is a conservative change, it occurs at a poorly conserved position in the protein, it is predicted to be benign by multiple in silico algorithms, and/or has population frequency not consistent with disease.

Eurofins Ntd Llc (ga)
Classification: Benign. Last evaluated: 2016-06-09. Review status: criteria provided, single submitter. Criteria: EGL Classification Definitions 2015. Collection method: clinical testing. Allele origin: germline. Observed: 13 variant alleles, 13 heterozygotes.

NM_001267550.2(TTN):c.16303G>A (p.Val5435Met)

Gene: TTN (titin; minus strand). Cytogenetic location: 2q31.2.
Variant type: single nucleotide variant.
Coding change: c.16303G>A on transcript NM_001267550.2 (MANE Select); coding-DNA position 16303, G replaced by A.
Protein change: p.Val5435Met; replaces valine 5435 with methionine.
Molecular consequence: missense variant. On other transcripts: intron variant (3).
Genome position (GRCh38, 1-based): chr2:178,732,873, C>T on the plus strand (G>A on the coding strand, the complement: TTN is on the minus strand). VCF-style: chr2-178732873-C-T. GRCh37 (hg19) VCF-style: chr2-179597600-C-T.
Other names: p.V4191M:GTG>ATG; p.Val5118Met; c.15352G>A, p.Val5118Met (NM_001256850.1); c.12571G>A, p.Val4191Met (NM_133378.4); c.13282+5209G>A (NM_003319.4); c.13858+5209G>A (NM_133437.4); c.13657+5209G>A (NM_133432.3); short protein forms V5435M, V4191M, V5118M.
Identifiers: ClinVar variation 46614 (VCV000046614.83), dbSNP rs72648937, ClinGen allele CA282698.
Genomic context (GRCh38, chr2:178,732,873, plus strand): 5'-AATGCAAAGTCTCCAGCCAACCTTGCACAATCAGGGCTCCACTGCTGTCTTTGCTTCCCA[C>T]GGAATTTGTGGCTCGACAAGTGAAATTCCCTGCATCATTCATGTCTACTCTGATGATCTC-3'
Protein context (NP_001254479.2, residues 5425-5445): GNFTCRATNS[Val5435Met]GSKDSSGALI